The following is an entry in ClinVar:

ClinVar aggregate classification (germline): Uncertain significance. Review status: criteria provided, multiple submitters, no conflicts (2 of 4 stars). 2 submissions from 2 submitters: Uncertain significance (2). Last evaluated 2026-01-05.

Conditions:
Hereditary cancer-predisposing syndrome. Also called: Neoplastic Syndromes, Hereditary; Tumor predisposition; Hereditary Cancer Syndrome; Hereditary neoplastic syndrome. Identifiers: Orphanet 140162, MedGen C0027672, MeSH D009386, MONDO:0015356.
EGFR-related lung cancer (EGFR). Identifiers: MedGen CN130014.

Allele frequency attached by ClinVar (database versions not stated): TOPMed 0.00002.
gnomAD v4.1: 7 of 1,614,112 alleles (0.00043%); highest among the groups gnomAD compares: South Asian, 0.0022%; no homozygotes.

Submissions (2):

Ambry Genetics
Classification: Uncertain significance for Hereditary cancer-predisposing syndrome. Last evaluated: 2026-01-05. Review status: criteria provided, single submitter. Criteria: Ambry Variant Classification Scheme 2023. Collection method: clinical testing. Allele origin: germline.
Comment: The p.R999L variant (also known as c.2996G>T), located in coding exon 25 of the EGFR gene, results from a G to T substitution at nucleotide position 2996. The arginine at codon 999 is replaced by leucine, an amino acid with dissimilar properties. This amino acid position is well conserved in available vertebrate species. In addition, the in silico prediction for this alteration is inconclusive. Based on the available evidence, the clinical significance of this variant remains unclear.

Labcorp Genetics (formerly Invitae), Labcorp
Classification: Uncertain significance for EGFR-related lung cancer. Last evaluated: 2022-08-26. Review status: criteria provided, single submitter. Criteria: Invitae Variant Classification Sherloc (09022015). Collection method: clinical testing. Allele origin: germline.
Comment: In summary, the available evidence is currently insufficient to determine the role of this variant in disease. Therefore, it has been classified as a Variant of Uncertain Significance. Algorithms developed to predict the effect of missense changes on protein structure and function (SIFT, PolyPhen-2, Align-GVGD) all suggest that this variant is likely to be tolerated. This variant has not been reported in the literature in individuals affected with EGFR-related conditions. This variant is present in population databases (no rsID available, gnomAD 0.003%). This sequence change replaces arginine, which is basic and polar, with leucine, which is neutral and non-polar, at codon 999 of the EGFR protein (p.Arg999Leu).

NM_005228.5(EGFR):c.2996G>T (p.Arg999Leu)

Gene: EGFR (epidermal growth factor receptor; plus strand). Cytogenetic location: 7p11.2.
Variant type: single nucleotide variant.
Coding change: c.2996G>T on transcript NM_005228.5 (MANE Select); coding-DNA position 2996, G replaced by T.
Protein change: p.Arg999Leu; replaces arginine 999 with leucine.
Molecular consequence: missense variant.
Genome position (GRCh38, 1-based): chr7:55,201,237, G>T. VCF-style: chr7-55201237-G-T. GRCh37 (hg19) VCF-style: chr7-55268930-G-T.
Other names: c.2861G>T, p.Arg954Leu (NM_001346897.2, NM_001346899.2); c.2996G>T, p.Arg999Leu (NM_001346898.2); c.2837G>T, p.Arg946Leu (NM_001346900.2); c.2195G>T, p.Arg732Leu (NM_001346941.2); short protein forms R999L, R732L, R954L, R946L.
Identifiers: ClinVar variation 1962001 (VCV001962001.5), dbSNP rs149248025, ClinGen allele CA10624139.
Genomic context (GRCh38, chr7:55,201,237, plus strand): 5'-CTCTGCACCAGGGGGATGAAAGAATGCATTTGCCAAGTCCTACAGACTCCAACTTCTACC[G>T]TGCCCTGATGGATGAAGAAGACATGGACGACGTGGTGGATGCCGACGAGTACCTCATCCC-3'
Protein context (NP_005219.2, residues 989-1009): LPSPTDSNFY[Arg999Leu]ALMDEEDMDD